The following is an entry in ClinVar:

ClinVar aggregate classification (germline): Pathogenic/Likely pathogenic. Review status: criteria provided, multiple submitters, no conflicts (2 of 4 stars). 2 submissions from 2 submitters: Pathogenic (1); Likely pathogenic (1). Last evaluated 2023-09-22.

Conditions:
Wilson disease (WND). Also called: Wilson's disease. Identifiers: Orphanet 905, MedGen C0019202, MONDO:0010200, OMIM 277900. Disease mechanism: loss of function.

Submissions (2):

Labcorp Genetics (formerly Invitae), Labcorp
Classification: Pathogenic for Wilson disease. Last evaluated: 2023-09-22. Review status: criteria provided, single submitter. Criteria: Invitae Variant Classification Sherloc (09022015). Collection method: clinical testing. Allele origin: germline.
Comment: For these reasons, this variant has been classified as Pathogenic. Algorithms developed to predict the effect of sequence changes on RNA splicing suggest that this variant may disrupt the consensus splice site. This variant has not been reported in the literature in individuals affected with ATP7B-related conditions. This variant is not present in population databases (gnomAD no frequency). This sequence change creates a premature translational stop signal (p.Asn637Glnfs*118) in the ATP7B gene. It is expected to result in an absent or disrupted protein product. Loss-of-function variants in ATP7B are known to be pathogenic (PMID: 10441329, 16283883).

Baylor Genetics
Classification: Likely pathogenic for Wilson disease. Last evaluated: 2023-06-24. Review status: criteria provided, single submitter. Criteria: ACMG Guidelines, 2015. Collection method: clinical testing. Allele origin: unknown.

Literature cited by the submitters: PubMed 10441329 (cited by Labcorp Genetics (formerly Invitae), Labcorp); PubMed 16283883 (cited by Labcorp Genetics (formerly Invitae), Labcorp).

NM_000053.4(ATP7B):c.1908dup (p.Asn637fs)

Gene: ATP7B (ATPase copper transporting beta; minus strand). Cytogenetic location: 13q14.3.
Variant type: Duplication.
Coding change: c.1908dup on transcript NM_000053.4 (MANE Select); coding-DNA position 1908, one base duplicated (C; older notation c.1908dupC).
Protein change: p.Asn637fs; shifts the reading frame from asparagine 637.
Molecular consequence: frameshift variant. On other transcripts: intron variant (13).
Genome position (GRCh38, 1-based): chr13:51,961,875, G duplicated on the plus strand (C on the coding strand, the reverse complement: ATP7B is on the minus strand); the first of 4 consecutive G bases (chr13:51,961,875-51,961,878); duplicating any one gives the same sequence. VCF-style (leftmost placement, unchanged base first): chr13-51961874-T-TG. GRCh37 (hg19) VCF-style: chr13-52536010-T-TG.
Other names: c.1575dup, p.Asn526fs (NM_001243182.2); c.1908dup, p.Asn637fs (NM_001330578.2, NM_001406511.1, NM_001406512.1 and 16 more transcripts); c.1875dup, p.Asn626fs (NM_001406524.1, NM_001406514.1); c.1812dup, p.Asn605fs (NM_001406530.1, NM_001406536.1, NM_001406517.1 and 1 more transcripts); c.1479dup, p.Asn494fs (NM_001406539.1); c.1869+2997dup (NM_001406541.1, NM_001406531.1, NM_001406532.1 and 5 more transcripts); c.1773+2997dup (NM_001406543.1, NM_001406544.1); c.1286-11714dup (NM_001406548.1); and 1 more; short protein forms N494fs, N526fs, N605fs, N626fs, N637fs.
Identifiers: ClinVar variation 2679800 (VCV002679800.4), dbSNP rs1469425216, ClinGen allele CA698897392.